The following is an entry in ClinVar:

NM_007255.3(B4GALT7):c.232G>A (p.Glu78Lys)

Gene: B4GALT7 (beta-1,4-galactosyltransferase 7; plus strand). Cytogenetic location: 5q35.3.
Variant type: single nucleotide variant.
Coding change: c.232G>A on transcript NM_007255.3 (MANE Select); coding-DNA position 232, G replaced by A.
Protein change: p.Glu78Lys; replaces glutamic acid 78 with lysine.
Molecular consequence: missense variant.
Genome position (GRCh38, 1-based): chr5:177,604,360, G>A. VCF-style: chr5-177604360-G-A. GRCh37 (hg19) VCF-style: chr5-177031361-G-A.
Other names: short protein forms E78K.
Identifiers: ClinVar variation 4528194 (VCV004528194.1).

ClinVar aggregate classification (germline): Uncertain significance (1 of 4 stars; one submission).

Submission:

GeneDx
Classification: Uncertain significance. Last evaluated: 2025-05-07. Review status: criteria provided, single submitter. Criteria: GeneDx Variant Classification Process June 2021. Collection method: clinical testing. Allele origin: germline. Affected: yes.
Comment: Not observed at significant frequency in large population cohorts (gnomAD); In silico analysis suggests that this missense variant does not alter protein structure/function; Has not been previously published as pathogenic or benign to our knowledge